The following is an entry in ClinVar:

NM_001364857.2(ADGRB2):c.2263T>A (p.Ser755Thr)

Gene: ADGRB2 (adhesion G protein-coupled receptor B2; minus strand). Cytogenetic location: 1p35.2.
Variant type: single nucleotide variant.
Coding change: c.2263T>A on transcript NM_001364857.2 (MANE Select); coding-DNA position 2263, T replaced by A.
Protein change: p.Ser755Thr; replaces serine 755 with threonine.
Molecular consequence: missense variant.
Genome position (GRCh38, 1-based): chr1:31,739,540, A>T on the plus strand (T>A on the coding strand, the complement: ADGRB2 is on the minus strand). VCF-style: chr1-31739540-A-T. GRCh37 (hg19) VCF-style: chr1-32205141-A-T.
Other names: c.2263T>A, p.Ser755Thr (NM_001294335.2, NM_001294336.2); short protein forms S755T.
Identifiers: ClinVar variation 3690577 (VCV003690577.2).

ClinVar aggregate classification (germline): Uncertain significance (1 of 4 stars; one submission).

gnomAD v4.1: 1 of 1,613,058 alleles (0.000062%); highest among the groups gnomAD compares: Non-Finnish European, 0.000085%; no homozygotes.

Submission:

Labcorp Genetics (formerly Invitae), Labcorp
Classification: Uncertain significance. Last evaluated: 2025-11-10. Review status: criteria provided, single submitter. Criteria: Invitae Variant Classification Sherloc (09022015). Collection method: clinical testing. Allele origin: germline.
Comment: This sequence change replaces serine, which is neutral and polar, with threonine, which is neutral and polar, at codon 755 of the ADGRB2 protein (p.Ser755Thr). This variant is not present in population databases (gnomAD no frequency). This variant has not been reported in the literature in individuals affected with ADGRB2-related conditions. ClinVar contains an entry for this variant (Variation ID: 3690577). An algorithm developed to predict the effect of missense changes on protein structure and function (PolyPhen-2) suggests that this variant is likely to be disruptive. In summary, the available evidence is currently insufficient to determine the role of this variant in disease. Therefore, it has been classified as a Variant of Uncertain Significance.